The following is an entry in ClinVar:

NM_001281503.2(SLITRK1):c.1381C>T (p.Leu461Phe)

Gene: SLITRK1 (SLIT and NTRK like family member 1; minus strand). Cytogenetic location: 13q31.1.
Variant type: single nucleotide variant.
Coding change: c.1381C>T on transcript NM_001281503.2 (MANE Select); coding-DNA position 1381, C replaced by T.
Protein change: p.Leu461Phe; replaces leucine 461 with phenylalanine.
Molecular consequence: missense variant.
Genome position (GRCh38, 1-based): chr13:83,880,127, G>A on the plus strand (C>T on the coding strand, the complement: SLITRK1 is on the minus strand). VCF-style: chr13-83880127-G-A. GRCh37 (hg19) VCF-style: chr13-84454262-G-A.
Other names: c.1381C>T, p.Leu461Phe (NM_052910.2); short protein forms L461F.
Identifiers: ClinVar variation 929161 (VCV000929161.2), dbSNP rs1884779401, ClinGen allele CA388438662.
Genomic context (GRCh38, chr13:83,880,127, plus strand): 5'-TGTTGTTGAGAATGAGGATCCTCAGTTTGGGCATGGCATTGAAAGTGCCCGGGAGGATGA[G>A]CTGGATAGCGTTGTACTCCACGTTCAGGTACTCTAGGTTTTGCAGCCCCGCGAATTTCTC-3'
Protein context (NP_001268432.1, residues 451-471): YLNVEYNAIQ[Leu461Phe]ILPGTFNAMP

ClinVar aggregate classification (germline): Uncertain significance (1 of 4 stars; one submission).

Submission:

Women's Health and Genetics/Laboratory Corporation of America, LabCorp
Classification: Uncertain significance. Last evaluated: 2023-11-27. Review status: criteria provided, single submitter. Criteria: LabCorp Variant Classification Summary - May 2015. Collection method: clinical testing. Allele origin: germline.
Comment: Variant summary: SLITRK1 c.1381C>T (p.Leu461Phe) results in a non-conservative amino acid change located in the Leucine-rich repeat of the encoded protein sequence. Three of five in-silico tools predict a damaging effect of the variant on protein function. The variant was absent in 251438 control chromosomes (gnomAD). The available data on variant occurrences in the general population are insufficient to allow any conclusion about variant significance. To our knowledge, no occurrence of c.1381C>T in individuals affected with Tourette Syndrome and no experimental evidence demonstrating its impact on protein function have been reported. No submitters have cited clinical-significance assessments for this variant to ClinVar after 2014. Based on the evidence outlined above, the variant was classified as uncertain significance.